The following is an entry in ClinVar:

ClinVar aggregate classification (germline): Pathogenic. Review status: criteria provided, single submitter (1 of 4 stars). 3 submissions from 3 submitters: Pathogenic (1). 2 of the submissions do not count toward it. Last evaluated 2026-03-17.

Conditions:
Hereditary sclerosing poikiloderma with tendon and pulmonary involvement. Also called: Poikiloderma, hereditary fibrosing, with tendon contractures, myopathy, and pulmonary fibrosis. Identifiers: Orphanet 221043, MedGen C3810325, MONDO:0014310, OMIM 615704.

Submissions (3):

GeneDx
Classification: Pathogenic. Last evaluated: 2026-03-17. Review status: criteria provided, single submitter. Criteria: GeneDx Variant Classification Process June 2021. Collection method: clinical testing. Allele origin: germline.
Comment: Published functional studies suggest a damaging effect as p.(R627G) results in decreased protein synthesis, reduced translation efficiency, dysregulation of ubiquitin-conjugation, and an imbalance in protein homeostasis (PMID: 40840166); Not observed at significant frequency in large population cohorts (gnomAD); In silico analysis supports that this missense variant has a deleterious effect on protein structure/function; This variant is associated with the following publications: (PMID: 24268661, 26443268, 35869874, 34358284, Arowolo2022[Methods], 40840166)

OMIM
Classification: Pathogenic for POIKILODERMA, HEREDITARY FIBROSING, WITH TENDON CONTRACTURES, MYOPATHY, AND PULMONARY FIBROSIS. Last evaluated: 2013-12-05. Review status: no assertion criteria provided. Collection method: literature only. Allele origin: germline. Not counted in ClinVar's aggregate classification.

GeneReviews
No classification provided. Condition: Hereditary sclerosing poikiloderma with tendon and pulmonary involvement. Review status: no classification provided. Collection method: literature only. Allele origin: germline. Not counted in ClinVar's aggregate classification.

Literature cited by the submitters: PubMed 24268661 (cited by OMIM); NCBI Bookshelf NBK390610 (cited by GeneReviews); PubMed 27748098 (cited by GeneReviews).

NM_198947.4(FAM111B):c.1879A>G (p.Arg627Gly)

Gene: FAM111B (FAM111 trypsin like peptidase B; plus strand). Cytogenetic location: 11q12.1.
Variant type: single nucleotide variant.
Coding change: c.1879A>G on transcript NM_198947.4 (MANE Select); coding-DNA position 1879, A replaced by G.
Protein change: p.Arg627Gly; replaces arginine 627 with glycine.
Molecular consequence: missense variant.
Genome position (GRCh38, 1-based): chr11:59,125,976, A>G. VCF-style: chr11-59125976-A-G. GRCh37 (hg19) VCF-style: chr11-58893449-A-G.
Other names: c.1789A>G, p.Arg597Gly (NM_001142703.2, NM_001142704.2); short protein forms R627G, R597G.
Identifiers: ClinVar variation 120218 (VCV000120218.6), dbSNP rs587777237, ClinGen allele CA150786.
Genomic context (GRCh38, chr11:59,125,976, plus strand): 5'-CAAGATGGGTTGGTAGATCTCTATGATACCACCAGTAATGTATACTGTATGTTTACCCAA[A>G]GAAGTTTCCTATCAGAGGTTTGGAACACACACACGCTTAGTTATGATACTTGTTTCTCTG-3'
Protein context (NP_945185.1, residues 617-637): TSNVYCMFTQ[Arg627Gly]SFLSEVWNTH